The following is an entry in ClinVar:

NM_173630.4(RTTN):c.3449T>A (p.Leu1150Ter)

Gene: RTTN (rotatin; minus strand). Cytogenetic location: 18q22.2.
Variant type: single nucleotide variant.
Coding change: c.3449T>A on transcript NM_173630.4 (MANE Select); coding-DNA position 3449, T replaced by A.
Protein change: p.Leu1150Ter; replaces leucine 1150 with a stop codon.
Molecular consequence: nonsense.
Genome position (GRCh38, 1-based): chr18:70,121,635, A>T on the plus strand (T>A on the coding strand, the complement: RTTN is on the minus strand). VCF-style: chr18-70121635-A-T. GRCh37 (hg19) VCF-style: chr18-67788871-A-T.
Other names: c.713T>A, p.Leu238Ter (NM_001318520.2); short protein forms L1150*, L238*.
Identifiers: ClinVar variation 1325024 (VCV001325024.9), dbSNP rs766635681, ClinGen allele CA8995587.
Genomic context (GRCh38, chr18:70,121,635, plus strand): 5'-AGAATCCAGTTTAGAAGTTCTAGTGAAGAATTTTTTCTTTGTTCCTTTATTAATTTATTT[A>T]AAAAATGTATGATATCTATTAGCAGTTTCTCATCTTCAGTGCAAGCAGGAAGCACCTGTA-3'

ClinVar aggregate classification (germline): Pathogenic/Likely pathogenic. Review status: criteria provided, multiple submitters, no conflicts (2 of 4 stars). 3 submissions from 3 submitters: Pathogenic (2); Likely pathogenic (1). Last evaluated 2024-11-20.

Conditions:
Microcephalic primordial dwarfism due to RTTN deficiency (MSSP). Also called: Microcephaly, short stature, and polymicrogyria with or without seizures; MICROCEPHALY, SHORT STATURE, AND POLYMICROGYRIA. Identifiers: Orphanet 468631, MedGen C3553831, MONDO:0018764, OMIM 614833.

Allele frequency attached by ClinVar (database versions not stated): ExAC 0.00001; gnomAD 0.00001; gnomAD exomes 0.00001; TOPMed 0.00001.
gnomAD v4.1: 10 of 1,579,374 alleles (0.00063%); highest among the groups gnomAD compares: East Asian, 0.011%; no homozygotes.

Submissions (3):

Laboratoire de Cytogenomique, Chu Angers
Classification: Pathogenic for Microcephalic primordial dwarfism due to RTTN deficiency. Last evaluated: 2024-11-20. Review status: criteria provided, single submitter. Criteria: ACMG Guidelines, 2015. Collection method: clinical testing. Allele origin: germline. Inheritance: Autosomal recessive inheritance. Affected: yes. Observed: 1 compound heterozygote.
Comment: NM_173630.4(RTTN):c.3449T>A : - Loss of function variant, product undergoes nonsense mediated mRNA decay. LoF is a known mechanism of disease ; - Very rare variant in population databases, with high coverage ; - Detected in trans with a uncertain significant variant ; - Patient’s phenotype is specific for this disease with a single genetic etiology (microcephaly and lissencephaly) ; - Described in ClinVar as [Pathogenic]. Clinvar id is 1325024. Variant in trans : NM_173630.4(RTTN):c.2315G>A : - Very rare variant in population databases, with high coverage ; - Detected in trans with a pathogenic variant ; - Patient’s phenotype is specific for this disease with a single genetic etiology (microcephaly and lissencephaly) ; - Variant chr18-70145778-C-T is described in ClinVar as [Conflicting_classifications_of_pathogenicity]. Clinvar id is 2159547. (Likely_pathogenic, Uncertain_significance).

Labcorp Genetics (formerly Invitae), Labcorp
Classification: Pathogenic. Last evaluated: 2022-07-15. Review status: criteria provided, single submitter. Criteria: Invitae Variant Classification Sherloc (09022015). Collection method: clinical testing. Allele origin: germline.
Comment: This sequence change creates a premature translational stop signal (p.Leu1150*) in the RTTN gene. It is expected to result in an absent or disrupted protein product. Loss-of-function variants in RTTN are known to be pathogenic (PMID: 26608784, 26846091). This variant is present in population databases (rs766635681, gnomAD 0.008%). This variant has not been reported in the literature in individuals affected with RTTN-related conditions. ClinVar contains an entry for this variant (Variation ID: 1325024). For these reasons, this variant has been classified as Pathogenic.

Juno Genomics, Hangzhou Juno Genomics, Inc
Classification: Likely pathogenic for Microcephalic primordial dwarfism due to RTTN deficiency. Review status: criteria provided, single submitter. Criteria: ACMG Guidelines, 2015. Collection method: clinical testing. Allele origin: germline. Affected: yes.
Comment: Absent from controls (or at extremely low frequency if recessive) in Genome Aggregation Database, Exome Sequencing Project, 1000 Genomes Project, or Exome Aggregation Consortium.;Null variant in a gene where loss of function (LOF) is a known mechanism of disease.

Literature cited by the submitters: PubMed 26608784 (cited by Labcorp Genetics (formerly Invitae), Labcorp); PubMed 26846091 (cited by Labcorp Genetics (formerly Invitae), Labcorp).